The following is an entry in ClinVar:

ClinVar aggregate classification (germline): Likely benign. Review status: criteria provided, multiple submitters, no conflicts (2 of 4 stars). 4 submissions from 4 submitters: Likely benign (3). 1 of the submissions does not count toward it. Last evaluated 2025-12-30.

Conditions:
Isovaleryl-CoA dehydrogenase deficiency (IVA). Also called: ISOVALERIC ACID CoA DEHYDROGENASE DEFICIENCY; IVD DEFICIENCY; Isovaleric acidemia; Classic Isovaleric Acidemia. Identifiers: Orphanet 33, MedGen C0268575, MONDO:0009475, OMIM 243500.

Allele frequency attached by ClinVar (database versions not stated): ExAC 0.00003; gnomAD exomes 0.00003; TOPMed 0.00004.
gnomAD v4.1: 19 of 1,613,970 alleles (0.0012%); highest among the groups gnomAD compares: South Asian, 0.0022%; no homozygotes.

Submissions (4):

Labcorp Genetics (formerly Invitae), Labcorp
Classification: Likely benign for Isovaleryl-CoA dehydrogenase deficiency. Last evaluated: 2025-12-30. Review status: criteria provided, single submitter. Criteria: Invitae Variant Classification Sherloc (09022015). Collection method: clinical testing. Allele origin: germline.

Blueprint Genetics
Classification: Likely benign. Last evaluated: 2024-09-09. Review status: criteria provided, single submitter. Criteria: ACMG Guidelines, 2015. Collection method: clinical testing. Allele origin: germline.

GeneDx
Classification: Likely benign. Last evaluated: 2016-04-15. Review status: criteria provided, single submitter. Criteria: GeneDx Variant Classification (06012015). Collection method: clinical testing. Allele origin: germline. Affected: yes.
Comment: This variant is considered likely benign or benign based on one or more of the following criteria: it is a conservative change, it occurs at a poorly conserved position in the protein, it is predicted to be benign by multiple in silico algorithms, and/or has population frequency not consistent with disease.

Natera, Inc.
Classification: Uncertain significance for Isovaleryl-coa dehydrogenase deficiency. Last evaluated: 2020-04-16. Review status: no assertion criteria provided. Collection method: clinical testing. Allele origin: germline. Not counted in ClinVar's aggregate classification.

NM_002225.5(IVD):c.264C>T (p.Gly88=)

Gene: IVD (isovaleryl-CoA dehydrogenase; plus strand). Cytogenetic location: 15q15.1.
Variant type: single nucleotide variant.
Coding change: c.264C>T on transcript NM_002225.5 (MANE Select); coding-DNA position 264, C replaced by T.
Protein change: p.Gly88=; no amino-acid change (glycine 88 retained).
Molecular consequence: synonymous variant. On other transcripts: non-coding transcript variant (1).
Genome position (GRCh38, 1-based): chr15:40,407,968, C>T. VCF-style: chr15-40407968-C-T. GRCh37 (hg19) VCF-style: chr15-40700167-C-T.
Other names: c.174C>T, p.Gly58= (NM_001159508.3); c.216C>T, p.Gly72= (NM_001354597.3); c.264C>T, p.Gly88= (NM_001354598.3, NM_001354601.3); c.351C>T, p.Gly117= (NM_001354599.3, NM_001354600.3).
Identifiers: ClinVar variation 385437 (VCV000385437.11), dbSNP rs377199313, ClinGen allele CA7480573.
Genomic context (GRCh38, chr15:40,407,968, plus strand): 5'-CTTATTCCACTCTGCTCCATTCTGTTGGCAGGAATTTTGGAAGCAGCTGGGGAACCTGGG[C>T]GTATTGGGCATCACAGCCCCTGGTGAGTATAGTGTCTTTCCCTAAAAAGAACTTTTCTTA-3'
Protein context (NP_002216.3, residues 78-98): REFWKQLGNL[Gly88=]VLGITAPVQY